The following is an entry in ClinVar:

NM_001017420.3(ESCO2):c.1268G>A (p.Trp423Ter)

Gene: ESCO2 (establishment of sister chromatid cohesion N-acetyltransferase 2; plus strand). Cytogenetic location: 8p21.1.
Variant type: single nucleotide variant.
Coding change: c.1268G>A on transcript NM_001017420.3 (MANE Select); coding-DNA position 1268, G replaced by A.
Protein change: p.Trp423Ter; replaces tryptophan 423 with a stop codon.
Molecular consequence: nonsense.
Genome position (GRCh38, 1-based): chr8:27,791,967, G>A. VCF-style: chr8-27791967-G-A. GRCh37 (hg19) VCF-style: chr8-27649484-G-A.
Other names: short protein forms W423*.
Identifiers: ClinVar variation 861126 (VCV000861126.5), dbSNP rs1805186461, ClinGen allele CA370824815.

ClinVar aggregate classification (germline): Pathogenic (1 of 4 stars; one submission).

Allele frequency attached by ClinVar (database versions not stated): TOPMed below 0.00001.

Submission:

Labcorp Genetics (formerly Invitae), Labcorp
Classification: Pathogenic. Last evaluated: 2019-12-15. Review status: criteria provided, single submitter. Criteria: Invitae Variant Classification Sherloc (09022015). Collection method: clinical testing. Allele origin: germline.
Comment: For these reasons, this variant has been classified as Pathogenic. Loss-of-function variants in ESCO2 are known to be pathogenic (PMID: 15821733, 16380922). A different variant leading to the same premature stop signal at this codon has been observed in individual(s) with clinical features of SC pseudothalidomide syndrome (PMID: 16380922). This variant is not present in population databases (ExAC no frequency). This sequence change creates a premature translational stop signal (p.Trp423*) in the ESCO2 gene. It is expected to result in an absent or disrupted protein product.

Literature cited by the submitters: PubMed 15821733; PubMed 16380922.